The following is an entry in ClinVar:

NM_001002295.2(GATA3):c.778+1_778+7del

Gene: GATA3 (GATA binding protein 3; plus strand). Cytogenetic location: 10p14.
Variant type: Deletion.
Coding change: c.778+1_778+7del on transcript NM_001002295.2 (MANE Select); the canonical splice donor site of the intron after coding-DNA position 778 through 7 bases into the intron after coding-DNA position 778, 7 bases deleted (GTAGGAG; older notation c.778+1_778+7delGTAGGAG).
Molecular consequence: splice donor variant.
Genome position (GRCh38, 1-based): chr10:8,058,842-8,058,848, GTAGGAG deleted; deleting any 7 consecutive bases within chr10:8,058,840-8,058,848 gives the same sequence; the c. name uses the placement nearest the transcript's 3' end. VCF-style (leftmost placement, unchanged base first): chr10-8058839-CAGGTAGG-C. GRCh37 (hg19) VCF-style: chr10-8100802-CAGGTAGG-C.
Other names: c.778+1_778+7del (NM_002051.3).
Identifiers: ClinVar variation 3601132 (VCV003601132.1).

ClinVar aggregate classification (germline): Likely pathogenic (1 of 4 stars; one submission).

Conditions:
Hypoparathyroidism, deafness, renal disease syndrome (HDRS). Also called: HYPOPARATHYROIDISM, SENSORINEURAL DEAFNESS, AND RENAL DYSPLASIA SYNDROME. Identifiers: Orphanet 2237, MedGen C1840333, MONDO:0007797, OMIM 146255.

Submission:

Institute of Rare Diseases, West China Hospital, Sichuan University
Classification: Likely pathogenic for Hypoparathyroidism, deafness, renal disease syndrome. Last evaluated: 2025-01-09. Review status: criteria provided, single submitter. Criteria: ClinGen HL ACMG Specifications v1. Collection method: research. Allele origin: germline. Affected: yes.
Comment: PVS1;PM2_Supporting